The following is an entry in ClinVar:

ClinVar aggregate classification (germline): Uncertain significance. Review status: criteria provided, multiple submitters, no conflicts (2 of 4 stars). 2 submissions from 2 submitters: Uncertain significance (2). Last evaluated 2024-02-12.

Conditions:
Congenital myasthenic syndrome 4A. Also called: Myasthenic syndrome, congenital, 4a, slow-channel; MYASTHENIC SYNDROME, CONGENITAL, 4A, SLOW-CHANNEL, AUTOSOMAL RECESSIVE; CONGENITAL MYASTHENIC SYNDROME TYPE Ia1. Identifiers: Orphanet 590, MedGen C4225413, MONDO:0011600, OMIM 605809.

Allele frequency attached by ClinVar (database versions not stated): gnomAD exomes below 0.00001.
gnomAD v4.1: 2 of 1,614,066 alleles (0.00012%); highest among the groups gnomAD compares: Non-Finnish European, 0.000085%; no homozygotes.

Submissions (2):

GeneDx
Classification: Uncertain significance. Last evaluated: 2024-02-12. Review status: criteria provided, single submitter. Criteria: GeneDx Variant Classification Process June 2021. Collection method: clinical testing. Allele origin: germline. Affected: yes.
Comment: Not observed at significant frequency in large population cohorts (gnomAD); In silico analysis supports that this missense variant has a deleterious effect on protein structure/function; Has not been previously published as pathogenic or benign to our knowledge

Labcorp Genetics (formerly Invitae), Labcorp
Classification: Uncertain significance for Congenital myasthenic syndrome 4A. Last evaluated: 2023-04-29. Review status: criteria provided, single submitter. Criteria: Invitae Variant Classification Sherloc (09022015). Collection method: clinical testing. Allele origin: germline.
Comment: In summary, the available evidence is currently insufficient to determine the role of this variant in disease. Therefore, it has been classified as a Variant of Uncertain Significance. Advanced modeling of protein sequence and biophysical properties (such as structural, functional, and spatial information, amino acid conservation, physicochemical variation, residue mobility, and thermodynamic stability) performed at Invitae indicates that this missense variant is expected to disrupt CHRNE protein function. This variant has not been reported in the literature in individuals affected with CHRNE-related conditions. This variant is not present in population databases (gnomAD no frequency). This sequence change replaces asparagine, which is neutral and polar, with threonine, which is neutral and polar, at codon 127 of the CHRNE protein (p.Asn127Thr).

NM_000080.4(CHRNE):c.380A>C (p.Asn127Thr)

Genes: C17orf107 (chromosome 17 open reading frame 107; plus strand), CHRNE (cholinergic receptor nicotinic epsilon subunit; minus strand). Cytogenetic location: 17p13.2.
Variant type: single nucleotide variant.
Coding change: c.380A>C on transcript NM_000080.4 (MANE Select); coding-DNA position 380, A replaced by C.
Protein change: p.Asn127Thr; replaces asparagine 127 with threonine.
Molecular consequence: missense variant. On other transcripts: 3 prime UTR variant (1).
Genome position (GRCh38, 1-based): chr17:4,902,052, T>G on the plus strand (A>C on the coding strand, the complement: CHRNE is on the minus strand). VCF-style: chr17-4902052-T-G. GRCh37 (hg19) VCF-style: chr17-4805347-T-G.
Other names: c.*1519T>G (NM_001145536.2); short protein forms N127T.
Identifiers: ClinVar variation 2973020 (VCV002973020.4), dbSNP rs1597621555, ClinGen allele CA397306312.
Genomic context (GRCh38, chr17:4,902,052, plus strand): 5'-ACGCTGCGGTAGATGGCCGGAGGCAGCCACGTCACGGAGCCGCCCTCGTAGACGAGCACG[T>G]TGGCGTCGTAGGCCACTCCGAACTGGCCATCAATACTGTGGGCTCGGGGAAACCGAGCTT-3'
Protein context (NP_000071.1, residues 117-137): DGQFGVAYDA[Asn127Thr]VLVYEGGSVT